The following is an entry in ClinVar:

ClinVar aggregate classification (germline): Uncertain significance (1 of 4 stars; one submission).

Conditions:
MHC class II deficiency. Also called: BLS, TYPE II; Bare lymphocyte syndrome 2. Identifiers: Orphanet 572, MedGen C5447452, MONDO:0008855.

gnomAD v4.1: 2 of 1,564,218 alleles (0.00013%); highest among the groups gnomAD compares: Non-Finnish European, 0.00017%; no homozygotes.

Submission:

Labcorp Genetics (formerly Invitae), Labcorp
Classification: Uncertain significance for MHC class II deficiency. Last evaluated: 2025-04-11. Review status: criteria provided, single submitter. Criteria: Invitae Variant Classification Sherloc (09022015). Collection method: clinical testing. Allele origin: germline.
Comment: This sequence change replaces serine, which is neutral and polar, with threonine, which is neutral and polar, at codon 138 of the RFXAP protein (p.Ser138Thr). This variant is not present in population databases (gnomAD no frequency). This variant has not been reported in the literature in individuals affected with RFXAP-related conditions. Invitae Evidence Modeling of protein sequence and biophysical properties (such as structural, functional, and spatial information, amino acid conservation, physicochemical variation, residue mobility, and thermodynamic stability) indicates that this missense variant is not expected to disrupt RFXAP protein function with a negative predictive value of 80%. In summary, the available evidence is currently insufficient to determine the role of this variant in disease. Therefore, it has been classified as a Variant of Uncertain Significance.

NM_000538.4(RFXAP):c.413G>C (p.Ser138Thr)

Genes: RFXAP (regulatory factor X associated protein; plus strand), LOC130009574 (ATAC-STARR-seq lymphoblastoid active region 7589; plus strand). Cytogenetic location: 13q13.3.
Variant type: single nucleotide variant.
Coding change: c.413G>C on transcript NM_000538.4 (MANE Select); coding-DNA position 413, G replaced by C.
Protein change: p.Ser138Thr; replaces serine 138 with threonine.
Molecular consequence: missense variant.
Genome position (GRCh38, 1-based): chr13:36,819,770, G>C. VCF-style: chr13-36819770-G-C. GRCh37 (hg19) VCF-style: chr13-37393907-G-C.
Other names: short protein forms S138T.
Identifiers: ClinVar variation 4805419 (VCV004805419.1).